The following is an entry in ClinVar:

NM_001614.5(ACTG1):c.360T>C (p.Thr120=)

Gene: ACTG1 (actin gamma 1; minus strand). Cytogenetic location: 17q25.3.
Variant type: single nucleotide variant.
Coding change: c.360T>C on transcript NM_001614.5 (MANE Select); coding-DNA position 360, T replaced by C.
Protein change: p.Thr120=; no amino-acid change (threonine 120 retained).
Molecular consequence: synonymous variant. On other transcripts: non-coding transcript variant (1).
Genome position (GRCh38, 1-based): chr17:81,511,906, A>G on the plus strand (T>C on the coding strand, the complement: ACTG1 is on the minus strand). VCF-style: chr17-81511906-A-G. GRCh37 (hg19) VCF-style: chr17-79478932-A-G.
Other names: c.360T>C, p.Thr120= (NM_001199954.3).
Identifiers: ClinVar variation 4281306 (VCV004281306.7).
Genomic context (GRCh38, chr17:81,511,906, plus strand): 5'-GGGCAGAAAATGACTGGGGAAAGGACGGGAGGAGCACGGGCGTCGGCCGAGCCTCACCTG[A>G]GTCATCTTCTCTCTGTTGGCCTTGGGGTTCAGGGGGGCCTCGGTCAGCAGCACTGGGTGC-3'
Protein context (NP_001605.1, residues 110-130): LNPKANREKM[Thr120=]QIMFETFNTP

ClinVar aggregate classification (germline): Likely benign (1 of 4 stars; one submission).

Submission:

CeGaT Center for Human Genetics Tuebingen
Classification: Likely benign. Last evaluated: 2026-07-01. Review status: criteria provided, single submitter. Criteria: CeGaT Center For Human Genetics Tuebingen Variant Classification Criteria Version 2. Collection method: clinical testing. Allele origin: germline. Affected: yes. Observed: 2 variant alleles.
Comment: ACTG1: BP4, BP7